The following is an entry in ClinVar:

NM_022489.4(INF2):c.200A>G (p.Gln67Arg)

Gene: INF2 (inverted formin 2; plus strand). Cytogenetic location: 14q32.33.
Variant type: single nucleotide variant.
Coding change: c.200A>G on transcript NM_022489.4 (MANE Select); coding-DNA position 200, A replaced by G.
Protein change: p.Gln67Arg; replaces glutamine 67 with arginine.
Molecular consequence: missense variant.
Genome position (GRCh38, 1-based): chr14:104,701,565, A>G. VCF-style: chr14-104701565-A-G. GRCh37 (hg19) VCF-style: chr14-105167902-A-G.
Other names: c.200A>G, p.Gln67Arg (NM_001031714.4, NM_032714.3); short protein forms Q67R.
Identifiers: ClinVar variation 1992962 (VCV001992962.4), dbSNP rs764972050, ClinGen allele CA391225421.
Genomic context (GRCh38, chr14:104,701,565, plus strand): 5'-TGGTCAACTACTCCGGCCTGCGCAAGCGCCTGGAGGGCAGCGACGGCGGCTGGATGGTGC[A>G]GTTCCTGGAGCAGAGCGGCCTGGACCTGCTGCTGGAGGCGCTGGCGCGGCTGTCGGGCCG-3'
Protein context (NP_071934.3, residues 57-77): LEGSDGGWMV[Gln67Arg]FLEQSGLDLL

ClinVar aggregate classification (germline): Uncertain significance (1 of 4 stars; one submission).

Conditions:
Charcot-Marie-Tooth disease dominant intermediate E. Also called: CHARCOT-MARIE-TOOTH NEUROPATHY WITH FOCAL SEGMENTAL GLOMERULONEPHRITIS. Identifiers: Orphanet 93114, MedGen C4302667, MONDO:0013758, OMIM 614455.
Focal segmental glomerulosclerosis 5 (FSGS5). Identifiers: Orphanet 656, MedGen C2750475, MONDO:0013191, OMIM 613237.

gnomAD v4.1: 2 of 1,608,564 alleles (0.00012%); highest among the groups gnomAD compares: Admixed American, 0.0017%; no homozygotes.

Submission:

Labcorp Genetics (formerly Invitae), Labcorp
Classification: Uncertain significance for Charcot-Marie-Tooth disease dominant intermediate E; Focal segmental glomerulosclerosis 5. Last evaluated: 2022-08-21. Review status: criteria provided, single submitter. Criteria: Invitae Variant Classification Sherloc (09022015). Collection method: clinical testing. Allele origin: germline.
Comment: In summary, the available evidence is currently insufficient to determine the role of this variant in disease. Therefore, it has been classified as a Variant of Uncertain Significance. Algorithms developed to predict the effect of missense changes on protein structure and function are either unavailable or do not agree on the potential impact of this missense change (SIFT: "Deleterious"; PolyPhen-2: "Probably Damaging"; Align-GVGD: "Class C0"). This variant has not been reported in the literature in individuals affected with INF2-related conditions. This variant is not present in population databases (gnomAD no frequency). This sequence change replaces glutamine, which is neutral and polar, with arginine, which is basic and polar, at codon 67 of the INF2 protein (p.Gln67Arg).